The following is an entry in ClinVar:

NM_001040142.2(SCN2A):c.4996C>T (p.Leu1666Phe)

Gene: SCN2A (sodium voltage-gated channel alpha subunit 2; plus strand). Cytogenetic location: 2q24.3.
Variant type: single nucleotide variant.
Coding change: c.4996C>T on transcript NM_001040142.2 (MANE Select); coding-DNA position 4996, C replaced by T.
Protein change: p.Leu1666Phe; replaces leucine 1666 with phenylalanine.
Molecular consequence: missense variant.
Genome position (GRCh38, 1-based): chr2:165,388,802, C>T. VCF-style: chr2-165388802-C-T. GRCh37 (hg19) VCF-style: chr2-166245312-C-T.
Other names: c.4996C>T, p.Leu1666Phe (NM_001040143.2, NM_001371246.1, NM_001371247.1 and 1 more transcripts); short protein forms L1666F.
Identifiers: ClinVar variation 520798 (VCV000520798.4), dbSNP rs1553463466, ClinGen allele CA349037956.
Genomic context (GRCh38, chr2:165,388,802, plus strand): 5'-ATCCGCACGCTGCTCTTTGCTTTGATGATGTCCCTTCCTGCGTTGTTTAACATCGGCCTC[C>T]TTCTTTTCCTGGTCATGTTCATCTACGCCATCTTTGGGATGTCCAATTTTGCCTATGTTA-3'
Protein context (NP_001035232.1, residues 1656-1676): SLPALFNIGL[Leu1666Phe]LFLVMFIYAI

ClinVar aggregate classification (germline): Uncertain significance (1 of 4 stars; one submission).

Conditions:
Complex neurodevelopmental disorder. Identifiers: Orphanet 528084, MedGen C5568766, MONDO:0100038.
Inborn genetic diseases. Identifiers: MedGen C0950123, MeSH D030342.

Submission:

Ambry Genetics
Classification: Uncertain significance for Inborn genetic diseases. Last evaluated: 2015-11-09. Review status: criteria provided, single submitter. Criteria: Ambry exome assertion method (8-5-2015). Collection method: clinical testing. Allele origin: germline. Affected: yes. Observed: 1 variant allele.

Literature cited by the submitters: PubMed 12620097 (cited by Ambry Genetics).